The following is an entry in ClinVar:

NM_020706.2(SCAF4):c.114+6G>C

Gene: SCAF4 (SR-related CTD associated factor 4; minus strand). Cytogenetic location: 21q22.11.
Variant type: single nucleotide variant.
Coding change: c.114+6G>C on transcript NM_020706.2 (MANE Select); 6 bases into the intron after coding-DNA position 114, G replaced by C.
Molecular consequence: intron variant.
Genome position (GRCh38, 1-based): chr21:31,706,268, C>G on the plus strand (G>C on the coding strand, the complement: SCAF4 is on the minus strand). VCF-style: chr21-31706268-C-G. GRCh37 (hg19) VCF-style: chr21-33078581-C-G.
Other names: c.114+6G>C (NM_001145444.1, NM_001145445.1).
Identifiers: ClinVar variation 4883745 (VCV004883745.2).
Genomic context (GRCh38, chr21:31,706,268, plus strand): 5'-TTTAAAAGTAATAAATATTTTCAAAATTTCAAAAAGATTTCTCAAATTGCTTTATTTTAT[C>G]ATTACCTTAATAGCTTTAATAGCAGCTTTAGTGATGAGAATCATCTTGGCTCTAGAGATG-3'

ClinVar aggregate classification (germline): Uncertain significance (1 of 4 stars; one submission).

Conditions:
Complex neurodevelopmental disorder. Identifiers: Orphanet 528084, MedGen C5568766, MONDO:0100038.

gnomAD v4.1: 3 of 1,536,940 alleles (0.0002%); highest among the groups gnomAD compares: African/African-American, 0.0042%; no homozygotes.

Submission:

Dasa
Classification: Uncertain significance for Complex neurodevelopmental disorder. Last evaluated: 2025-10-26. Review status: criteria provided, single submitter. Criteria: DASA Assertion Criteria. Collection method: clinical testing. Allele origin: germline.
Comment: NM_020706.2(SCAF4):c.114+6G>C is a splice-region variant. This variant is rare in population databases. The currently available literature and clinical evidence are not sufficient to establish a definitive association between this variant and the reported condition. Therefore, this variant is classified as a variant of uncertain significance.